The following is an entry in ClinVar:

ClinVar aggregate classification (germline): Likely benign (0 of 4 stars; one submission).

Conditions:
MUC16-related disorder. Also called: MUC16-related condition.

Allele frequency attached by ClinVar (database versions not stated): gnomAD 0.00001; TOPMed 0.00001; 1000 Genomes Project 0.00020; 1000 Genomes Project 30x 0.00047.

Submission:

PreventionGenetics, part of Exact Sciences
Classification: Likely benign for MUC16-related condition. Last evaluated: 2019-04-02. Review status: no assertion criteria provided. Collection method: clinical testing. Allele origin: germline.
Comment: This variant is classified as likely benign based on ACMG/AMP sequence variant interpretation guidelines (Richards et al. 2015 PMID: 25741868, with internal and published modifications).

NM_001401501.2(MUC16):c.38715C>T (p.Ser12905=)

Gene: MUC16 (mucin 16, cell surface associated; minus strand). Cytogenetic location: 19p13.2.
Variant type: single nucleotide variant.
Coding change: c.38715C>T on transcript NM_001401501.2 (MANE Select); coding-DNA position 38715, C replaced by T.
Protein change: p.Ser12905=; no amino-acid change (serine 12905 retained).
Molecular consequence: synonymous variant.
Genome position (GRCh38, 1-based): chr19:8,903,185, G>A on the plus strand (C>T on the coding strand, the complement: MUC16 is on the minus strand). VCF-style: chr19-8903185-G-A. GRCh37 (hg19) VCF-style: chr19-9013861-G-A.
Other names: c.39141C>T, p.Ser13047= (NM_001414686.1); c.38595C>T, p.Ser12865= (NM_001414687.1); c.38529C>T, p.Ser12843= (NM_024690.2).
Identifiers: ClinVar variation 3046694 (VCV003046694.2), dbSNP rs555217918, ClinGen allele CA9164523.